The following is an entry in ClinVar:

ClinVar aggregate classification (germline): Pathogenic. Review status: criteria provided, multiple submitters, no conflicts (2 of 4 stars). 3 submissions from 3 submitters: Pathogenic (3). Last evaluated 2026-03-19.

Conditions:
Neuromuscular disease caused by qualitative or quantitative defects of dysferlin. Also called: Dysferlinopathy; Qualitative or quantitative defects of dysferlin. Identifiers: Orphanet 207073, MedGen C2931687, MONDO:0016145.
Autosomal recessive limb-girdle muscular dystrophy. Identifiers: Orphanet 102015, MedGen C2931907, MONDO:0015152.

Submissions (3):

Myriad Genetics, Inc.
Classification: Pathogenic for Autosomal recessive limb-girdle muscular dystrophy. Last evaluated: 2026-03-19. Review status: criteria provided, single submitter. Criteria: Myriad Autosomal Dominant, Autosomal Recessive and X-Linked Classification Criteria (2023). Collection method: clinical testing. Allele origin: unknown.
Comment: NM_003494.3(DYSF):c.3149_3150delTC(L1050Qfs*63) is a frameshift variant classified as pathogenic in the context of dysferlinopathy. L1050Qfs*63 has been observed in cases with relevant disease (PMID: 21522182, 28053302). Relevant functional assessments of this variant are not available in the literature. L1050Qfs*63 has not been observed in referenced population frequency databases. In summary, NM_003494.3(DYSF):c.3149_3150delTC(L1050Qfs*63) is a frameshift variant in a gene where loss of function is a known mechanism of disease, is predicted to disrupt protein function, and has been observed more frequently in cases with the relevant disease than in healthy populations. Please note: this variant was assessed in the context of healthy population screening.

Labcorp Genetics (formerly Invitae), Labcorp
Classification: Pathogenic for Neuromuscular disease caused by qualitative or quantitative defects of dysferlin. Last evaluated: 2024-02-29. Review status: criteria provided, single submitter. Criteria: Invitae Variant Classification Sherloc (09022015). Collection method: clinical testing. Allele origin: germline.
Comment: This sequence change creates a premature translational stop signal (p.Leu1050Glnfs*63) in the DYSF gene. It is expected to result in an absent or disrupted protein product. Loss-of-function variants in DYSF are known to be pathogenic (PMID: 17698709, 20301480). This variant is not present in population databases (gnomAD no frequency). This premature translational stop signal has been observed in individual(s) with Miyoshi myopathy (PMID: 28053302). For these reasons, this variant has been classified as Pathogenic.

CeGaT Center for Human Genetics Tuebingen
Classification: Pathogenic. Last evaluated: 2019-12-01. Review status: criteria provided, single submitter. Criteria: CeGaT Center For Human Genetics Tuebingen Variant Classification Criteria Version 2. Collection method: clinical testing. Allele origin: germline. Affected: yes. Observed: 2 variant alleles.

Literature cited by the submitters: PubMed 21522182 (cited by Myriad Genetics, Inc.); PubMed 28053302 (cited by Myriad Genetics, Inc. and Labcorp Genetics (formerly Invitae), Labcorp); PubMed 17698709 (cited by Labcorp Genetics (formerly Invitae), Labcorp); PubMed 20301480 (cited by Labcorp Genetics (formerly Invitae), Labcorp).

NM_001130987.2(DYSF):c.3203_3204del (p.Leu1068fs)

Gene: DYSF (dysferlin; plus strand). Cytogenetic location: 2p13.2.
Variant type: Microsatellite.
Coding change: c.3203_3204del on transcript NM_001130987.2 (MANE Select); coding-DNA positions 3203 to 3204, 2 bases deleted (TC; older notation c.3203_3204delTC).
Protein change: p.Leu1068fs; shifts the reading frame from leucine 1068.
Molecular consequence: frameshift variant.
Genome position (GRCh38, 1-based): chr2:71,570,716-71,570,717, TC deleted; deleting any 2 consecutive bases within chr2:71,570,714-71,570,717 gives the same sequence; the c. name uses the placement nearest the transcript's 3' end. VCF-style (leftmost placement, unchanged base first): chr2-71570713-ATC-A. GRCh37 (hg19) VCF-style: chr2-71797843-ATC-A.
Other names: c.3152_3153del, p.Leu1051fs (NM_001130983.2, NM_001130455.2); c.3110_3111del, p.Leu1037fs (NM_001130984.2, NM_001130986.2); c.3203_3204del, p.Leu1068fs (NM_001130985.2); c.3149_3150del, p.Leu1050fs (NM_003494.4, NM_001130978.2); c.3107_3108del, p.Leu1036fs (NM_001130976.2, NM_001130977.2); c.3242_3243del, p.Leu1081fs (NM_001130979.2); c.3200_3201del, p.Leu1067fs (NM_001130980.2, NM_001130981.2); c.3245_3246del, p.Leu1082fs (NM_001130982.2); short protein forms L1037fs, L1036fs, L1050fs, L1051fs, L1081fs, L1082fs, L1067fs, L1068fs.
Identifiers: ClinVar variation 871471 (VCV000871471.49), dbSNP rs1260279185, ClinGen allele CA892700654.